The following is an entry in ClinVar:

ClinVar aggregate classification (germline): Likely benign (0 of 4 stars; one submission).

Conditions:
PRRC2A-related disorder. Also called: PRRC2A-related condition.

Allele frequency attached by ClinVar (database versions not stated): gnomAD exomes 0.00003; 1000 Genomes Project 30x 0.00016; ExAC 0.00016; 1000 Genomes Project 0.00020; gnomAD 0.00060; TOPMed 0.00064; ESP Exome Variant Server 0.00095.
gnomAD v4.1: 136 of 1,596,410 alleles (0.0085%); highest among the groups gnomAD compares: African/African-American, 0.18%; 1 homozygote.

Submission:

PreventionGenetics, part of Exact Sciences
Classification: Likely benign for PRRC2A-related condition. Last evaluated: 2019-06-05. Review status: no assertion criteria provided. Collection method: clinical testing. Allele origin: germline.
Comment: This variant is classified as likely benign based on ACMG/AMP sequence variant interpretation guidelines (Richards et al. 2015 PMID: 25741868, with internal and published modifications).

NM_004638.4(PRRC2A):c.4752C>T (p.Phe1584=)

Gene: PRRC2A (proline rich coiled-coil 2A; plus strand). Cytogenetic location: 6p21.33.
Variant type: single nucleotide variant.
Coding change: c.4752C>T on transcript NM_004638.4 (MANE Select); coding-DNA position 4752, C replaced by T.
Protein change: p.Phe1584=; no amino-acid change (phenylalanine 1584 retained).
Molecular consequence: synonymous variant.
Genome position (GRCh38, 1-based): chr6:31,634,268, C>T. VCF-style: chr6-31634268-C-T. GRCh37 (hg19) VCF-style: chr6-31602045-C-T.
Other names: c.4752C>T, p.Phe1584= (NM_080686.3).
Identifiers: ClinVar variation 3041196 (VCV003041196.2), dbSNP rs146122581, ClinGen allele CA3716333.